The following is an entry in ClinVar:

ClinVar aggregate classification (germline): Benign/Likely benign. Review status: criteria provided, multiple submitters, no conflicts (2 of 4 stars). 13 submissions from 13 submitters: Benign (1); Likely benign (8). 4 of the submissions do not count toward it. Last evaluated 2026-02-02.

Conditions:
Hypertrophic cardiomyopathy 26. Also called: Cardiomyopathy, familial hypertrophic, 26. Identifiers: Orphanet 75249, MedGen C4310749, MONDO:0014883, OMIM 617047.
Distal myopathy with posterior leg and anterior hand involvement. Also called: WILLIAMS DISTAL MYOPATHY. Identifiers: Orphanet 63273, MedGen C3279722, MONDO:0013550, OMIM 614065.
Myofibrillar myopathy 5. Also called: FILAMINOPATHY, AUTOSOMAL DOMINANT; Filaminopathy (type). Identifiers: Orphanet 171445, MedGen C1836050, MONDO:0012289, OMIM 609524.
Cardiomyopathy (CMYO). Also called: Cardiomyopathies. Identifiers: Orphanet 167848, MedGen C0878544, MONDO:0004994, HP:0001638. Inheritance: Various modes of inheritance.
Cardiovascular phenotype. Identifiers: MedGen CN230736.

Allele frequency attached by ClinVar (database versions not stated): ESP Exome Variant Server 0.00008; gnomAD 0.00013 and 0.00015; 1000 Genomes Project 30x 0.00016; gnomAD exomes 0.00016 and 0.00022; TOPMed 0.00016; 1000 Genomes Project 0.00020; ExAC 0.00030.
gnomAD v4.1: 269 of 1,613,022 alleles (0.017%); highest among the groups gnomAD compares: Middle Eastern, 0.17%; no homozygotes.

Submissions (13):

Labcorp Genetics (formerly Invitae), Labcorp
Classification: Likely benign for Distal myopathy with posterior leg and anterior hand involvement; Myofibrillar myopathy 5; Hypertrophic cardiomyopathy 26. Last evaluated: 2026-02-02. Review status: criteria provided, single submitter. Criteria: Invitae Variant Classification Sherloc (09022015). Collection method: clinical testing. Allele origin: germline.

Molecular Diagnostic Laboratory for Inherited Cardiovascular Disease, Montreal Heart Institute
Classification: Likely benign. Last evaluated: 2025-04-09. Review status: criteria provided, single submitter. Criteria: ACMG Guidelines, 2015. Collection method: clinical testing. Allele origin: germline. Affected: no.

CeGaT Center for Human Genetics Tuebingen
Classification: Likely benign. Last evaluated: 2025-03-01. Review status: criteria provided, single submitter. Criteria: CeGaT Center For Human Genetics Tuebingen Variant Classification Criteria Version 2. Collection method: clinical testing. Allele origin: germline. Affected: yes. Observed: 7 variant alleles.
Comment: FLNC: BP4, BP7

Blueprint Genetics
Classification: Likely benign. Last evaluated: 2024-11-22. Review status: criteria provided, single submitter. Criteria: ACMG Guidelines, 2015. Collection method: clinical testing. Allele origin: germline.

Women's Health and Genetics/Laboratory Corporation of America, LabCorp
Classification: Benign. Last evaluated: 2023-08-22. Review status: criteria provided, single submitter. Criteria: LabCorp Variant Classification Summary - May 2015. Collection method: clinical testing. Allele origin: germline.
Comment: Variant summary: FLNC c.600C>T (p.Pro200Pro) alters a conserved nucleotide located close to a canonical splice site and therefore could affect mRNA splicing, leading to a significantly altered protein sequence. 4/4 computational tools predict no significant impact on normal splicing. However, these predictions have yet to be confirmed by functional studies. The variant allele was found at a frequency of 0.00022 in 245992 control chromosomes. The observed variant frequency is approximately 28-fold of the estimated maximal expected allele frequency for a pathogenic variant in FLNC causing Dilated Cardiomyopathy phenotype (7.8e-06), strongly suggesting that the variant is benign. c.600C>T has been reported in the literature in an individual(s) affected with Cardiomyopathy without evidence of causality (Savarese_2014). This report does not provide unequivocal conclusions about association of the variant with Dilated Cardiomyopathy. To our knowledge, no experimental evidence demonstrating an impact on protein function has been reported. The following publication has been ascertained in the context of this evaluation (PMID: 25214167). Five submitters have cited clinical-significance assessments for this variant to ClinVar after 2014. All submitters classified the variant as likely benign. Based on the evidence outlined above, the variant was classified as benign.

CHEO Genetics Diagnostic Laboratory, Children's Hospital of Eastern Ontario
Classification: Likely benign for Cardiomyopathy. Last evaluated: 2022-02-25. Review status: criteria provided, single submitter. Criteria: ACMG Guidelines, 2015. Collection method: clinical testing. Allele origin: germline.

GeneDx
Classification: Likely benign. Last evaluated: 2021-05-05. Review status: criteria provided, single submitter. Criteria: GeneDx Variant Classification Process June 2021. Collection method: clinical testing. Allele origin: germline. Affected: yes.
Comment: This variant is associated with the following publications: (PMID: 25214167)

Ambry Genetics
Classification: Likely benign for Cardiovascular phenotype. Last evaluated: 2019-05-07. Review status: criteria provided, single submitter. Criteria: Ambry Variant Classification Scheme 2023. Collection method: clinical testing. Allele origin: germline.

Breakthrough Genomics
Classification: Likely benign. Review status: criteria provided, single submitter. Criteria: ACMG Guidelines, 2015. Collection method: not provided. Allele origin: germline. Inheritance: Autosomal dominant inheritance. Affected: yes.

Clinical Genetics DNA and cytogenetics Diagnostics Lab, Erasmus MC, Erasmus Medical Center
Classification: Likely benign. Review status: no assertion criteria provided. Collection method: clinical testing. Allele origin: germline. Affected: yes. Study: VKGL Data-share Consensus. Not counted in ClinVar's aggregate classification.

Clinical Genetics, Academic Medical Center
Classification: Benign. Review status: no assertion criteria provided. Collection method: clinical testing. Allele origin: germline. Affected: yes. Study: VKGL Data-share Consensus. Not counted in ClinVar's aggregate classification.

Genome Diagnostics Laboratory, University Medical Center Utrecht
Classification: Likely benign. Review status: no assertion criteria provided. Collection method: clinical testing. Allele origin: germline. Affected: yes. Study: VKGL Data-share Consensus. Not counted in ClinVar's aggregate classification.

Joint Genome Diagnostic Labs from Nijmegen and Maastricht, Radboudumc and MUMC+
Classification: Likely benign. Review status: no assertion criteria provided. Collection method: clinical testing. Allele origin: germline. Affected: yes. Study: VKGL Data-share Consensus. Not counted in ClinVar's aggregate classification.

Literature cited by the submitters: PubMed 25214167 (cited by Women's Health and Genetics/Laboratory Corporation of America, LabCorp).

NM_001458.5(FLNC):c.600C>T (p.Pro200=)

Gene: FLNC (filamin C; plus strand). Cytogenetic location: 7q32.1.
Variant type: single nucleotide variant.
Coding change: c.600C>T on transcript NM_001458.5 (MANE Select); coding-DNA position 600, C replaced by T.
Protein change: p.Pro200=; no amino-acid change (proline 200 retained).
Molecular consequence: synonymous variant.
Genome position (GRCh38, 1-based): chr7:128,835,573, C>T. VCF-style: chr7-128835573-C-T. GRCh37 (hg19) VCF-style: chr7-128475627-C-T.
Other names: c.600C>T, p.Pro200= (NM_001127487.2).
Identifiers: ClinVar variation 383827 (VCV000383827.64), dbSNP rs202105410, ClinGen allele CA4474057.